The following is an entry in ClinVar:

ClinVar aggregate classification (germline): Likely benign. Review status: criteria provided, multiple submitters, no conflicts (2 of 4 stars). 2 submissions from 2 submitters: Likely benign (2). Last evaluated 2018-06-19.

Allele frequency attached by ClinVar (database versions not stated): gnomAD exomes 0.01508 and 0.01917; ESP Exome Variant Server 0.01960; 1000 Genomes Project 0.02336; 1000 Genomes Project 30x 0.02498; gnomAD 0.02577 and 0.02655; TOPMed 0.02885; ExAC 0.02933.
gnomAD v4.1: 26,998 of 1,341,334 alleles (2%); highest among the groups gnomAD compares: Middle Eastern, 7.2%; 381 homozygotes.

Submissions (2):

GeneDx
Classification: Likely benign. Last evaluated: 2018-06-19. Review status: criteria provided, single submitter. Criteria: GeneDx Variant Classification (06012015). Collection method: clinical testing. Allele origin: germline. Affected: yes.
Comment: This variant is considered likely benign or benign based on one or more of the following criteria: it is a conservative change, it occurs at a poorly conserved position in the protein, it is predicted to be benign by multiple in silico algorithms, and/or has population frequency not consistent with disease.

Breakthrough Genomics
Classification: Likely benign. Review status: criteria provided, single submitter. Criteria: ACMG Guidelines, 2015. Collection method: not provided. Allele origin: germline. Inheritance: Autosomal dominant inheritance. Affected: yes.

NM_020822.3(KCNT1):c.2009-39G>A

Gene: KCNT1 (potassium sodium-activated channel subfamily T member 1; plus strand). Cytogenetic location: 9q34.3.
Variant type: single nucleotide variant.
Coding change: c.2009-39G>A on transcript NM_020822.3 (MANE Select); 39 bases into the intron before coding-DNA position 2009, G replaced by A.
Molecular consequence: intron variant.
Genome position (GRCh38, 1-based): chr9:135,772,676, G>A. VCF-style: chr9-135772676-G-A. GRCh37 (hg19) VCF-style: chr9-138664522-G-A.
Other names: c.1874-39G>A (NM_001272003.2).
Identifiers: ClinVar variation 674514 (VCV000674514.2), dbSNP rs78274769, ClinGen allele CA5327166.